The following is an entry in ClinVar:

ClinVar aggregate classification (germline): Uncertain significance (1 of 4 stars; one submission).

Submission:

Labcorp Genetics (formerly Invitae), Labcorp
Classification: Uncertain significance. Last evaluated: 2023-07-23. Review status: criteria provided, single submitter. Criteria: Invitae Variant Classification Sherloc (09022015). Collection method: clinical testing. Allele origin: germline.
Comment: This sequence change replaces aspartic acid, which is acidic and polar, with asparagine, which is neutral and polar, at codon 3406 of the WDFY3 protein (p.Asp3406Asn). This variant is not present in population databases (gnomAD no frequency). This variant has not been reported in the literature in individuals affected with WDFY3-related conditions. ClinVar contains an entry for this variant (Variation ID: 1368163). An algorithm developed to predict the effect of missense changes on protein structure and function (PolyPhen-2) suggests that this variant is likely to be disruptive. In summary, the available evidence is currently insufficient to determine the role of this variant in disease. Therefore, it has been classified as a Variant of Uncertain Significance.

NM_014991.6(WDFY3):c.10216G>A (p.Asp3406Asn)

Gene: WDFY3 (WD repeat and FYVE domain containing 3; minus strand). Cytogenetic location: 4q21.23.
Variant type: single nucleotide variant.
Coding change: c.10216G>A on transcript NM_014991.6 (MANE Select); coding-DNA position 10216, G replaced by A.
Protein change: p.Asp3406Asn; replaces aspartic acid 3406 with asparagine.
Molecular consequence: missense variant.
Genome position (GRCh38, 1-based): chr4:84,678,211, C>T on the plus strand (G>A on the coding strand, the complement: WDFY3 is on the minus strand). VCF-style: chr4-84678211-C-T. GRCh37 (hg19) VCF-style: chr4-85599364-C-T.
Other names: short protein forms D3406N.
Identifiers: ClinVar variation 1368163 (VCV001368163.8), dbSNP rs2148739090, ClinGen allele CA357265502.